The following is an entry in ClinVar:

ClinVar aggregate classification (germline): Uncertain significance (1 of 4 stars; one submission).

Conditions:
Tolchin-Le Caignec syndrome. Also called: INTELLECTUAL DEVELOPMENTAL DISORDER WITH BEHAVIORAL ABNORMALITIES AND VARIABLE BONE DEFECTS. Identifiers: MedGen C5436509, MONDO:0033544, OMIM 618971.

Submission:

OLLIN Analises Genomicas, OLLIN
Classification: Uncertain significance for Tolchin-Le Caignec syndrome. Last evaluated: 2026-08-06. Review status: criteria provided, single submitter. Criteria: ACMG Guidelines 2015 PMID 25741868. Collection method: clinical testing. Allele origin: germline. Inheritance: Autosomal dominant inheritance.
Comment: This missense variant, located in exon 11 (of 16), is absent from gnomAD and ClinVar and has not been identified in the literature. In silico analysis predicts that this variant has a deleterious effect. This gene is constrained for missense variation. According to the currently available evidence, this variant has been classified as uncertain significance (PM2_P, PP2, PP3).

NM_001367873.1(SOX6):c.1274T>A (p.Leu425Gln)

Gene: SOX6 (SRY-box transcription factor 6; minus strand). Cytogenetic location: 11p15.2.
Variant type: single nucleotide variant.
Coding change: c.1274T>A on transcript NM_001367873.1 (MANE Select); coding-DNA position 1274, T replaced by A.
Protein change: p.Leu425Gln; replaces leucine 425 with glutamine.
Molecular consequence: missense variant.
Genome position (GRCh38, 1-based): chr11:16,049,916, A>T on the plus strand (T>A on the coding strand, the complement: SOX6 is on the minus strand). VCF-style: chr11-16049916-A-T. GRCh37 (hg19) VCF-style: chr11-16071462-A-T.
Other names: c.1151T>A, p.Leu384Gln (NM_001145811.2, NM_001367872.1, NM_017508.3); c.1274T>A, p.Leu425Gln (NM_001145819.2, NM_033326.3); short protein forms L384Q, L425Q.
Identifiers: ClinVar variation 5002759 (VCV005002759.1).